The following is an entry in ClinVar:

NM_001351132.2(PEX5):c.1578T>A (p.Asn526Lys)

Gene: PEX5 (peroxisomal biogenesis factor 5; plus strand). Cytogenetic location: 12p13.31.
Variant type: single nucleotide variant.
Coding change: c.1578T>A on transcript NM_001351132.2 (MANE Select); coding-DNA position 1578, T replaced by A.
Protein change: p.Asn526Lys; replaces asparagine 526 with lysine.
Molecular consequence: missense variant.
Genome position (GRCh38, 1-based): chr12:7,209,700, T>A. VCF-style: chr12-7209700-T-A. GRCh37 (hg19) VCF-style: chr12-7362296-T-A.
Other names: c.1554T>A, p.Asn518Lys (NM_000319.5); c.1623T>A, p.Asn541Lys (NM_001131023.2); c.1467T>A, p.Asn489Lys (NM_001131024.2, NM_001351124.3, NM_001351126.2 and 7 more transcripts); c.1578T>A, p.Asn526Lys (NM_001131025.2, NM_001131026.2, NM_001300789.3 and 4 more transcripts); c.1512T>A, p.Asn504Lys (NM_001351135.3, NM_001351138.2); c.1569T>A, p.Asn523Lys (NM_001351136.2); c.1443T>A, p.Asn481Lys (NM_001351139.2, NM_001351140.2, NM_001374649.2); short protein forms N481K, N523K, N504K, N526K, N541K, N489K, N518K.
Identifiers: ClinVar variation 2978647 (VCV002978647.5), dbSNP rs61752138, ClinGen allele CA383737743.
Genomic context (GRCh38, chr12:7,209,700, plus strand): 5'-GCTGAGTCAAGCTGTTCCCATCCGTTCTGCATCCCTATCCCAGGACTATTTGCTGTGGAA[T>A]AAGCTAGGCGCCACCCTGGCCAATGGAAACCAGAGTGAAGAAGCAGTAGCTGCGTACCGC-3'
Protein context (NP_001338061.1, residues 516-536): SVRPNDYLLW[Asn526Lys]KLGATLANGN

ClinVar aggregate classification (germline): Pathogenic/Likely pathogenic. Review status: criteria provided, multiple submitters, no conflicts (2 of 4 stars). 3 submissions from 3 submitters: Pathogenic (2); Likely pathogenic (1). Last evaluated 2024-04-25.

Conditions:
Peroxisome biogenesis disorder. Identifiers: Orphanet 79189, MedGen C1832200, MONDO:0019234. Disease mechanism: loss of function.
Peroxisome biogenesis disorder 2B (PBD2B). Identifiers: Orphanet 44, MedGen C3550234, MONDO:0008736, OMIM 202370.
Rhizomelic chondrodysplasia punctata type 5 (RCDP5). Identifiers: Orphanet 468717, MedGen C4225237, MONDO:0014743, OMIM 616716.
Peroxisome biogenesis disorder 2A (Zellweger) (PBD2A). Also called: Cerebrohepatorenal syndrome, variant types. Identifiers: Orphanet 912, MedGen C3550273, MONDO:0008954, OMIM 214110.

Submissions (3):

Fulgent Genetics
Classification: Likely pathogenic for Peroxisome biogenesis disorder 2B; Peroxisome biogenesis disorder 2A (Zellweger); Rhizomelic chondrodysplasia punctata type 5. Last evaluated: 2024-04-25. Review status: criteria provided, single submitter. Criteria: ACMG Guidelines, 2015. Collection method: clinical testing. Allele origin: germline.

Women's Health and Genetics/Laboratory Corporation of America, LabCorp
Classification: Pathogenic for Peroxisome biogenesis disorder. Last evaluated: 2024-04-25. Review status: criteria provided, single submitter. Criteria: LabCorp Variant Classification Summary - May 2015. Collection method: clinical testing. Allele origin: germline.
Comment: Variant summary: PEX5 c.1578T>A (p.Asn526Lys) results in a non-conservative amino acid change in the encoded protein sequence. Five of five in-silico tools predict a damaging effect of the variant on protein function. The variant was absent in 251374 control chromosomes. To our knowledge, no occurrence of c.1578T>A in individuals affected with Peroxisome Biogenesis Disorders, Zellweger Syndrome Spectrum has been reported. Experimental studies show that p.Asn526Lys abolishes the PTS1-binding capacity and import function of Pex5p (e.g. Carvalho_2007, Shimozawa_1999). This variant is also known as Asn489Lys. A different nucleotide change, c.1578T>G resulting in the same amino acid change is known to be pathogenic. The following publications have been ascertained in the context of this evaluation (PMID: 17532062, 10462504). ClinVar contains an entry for this variant (Variation ID: 2978647). Based on the evidence outlined above, the variant was classified as pathogenic.

Labcorp Genetics (formerly Invitae), Labcorp
Classification: Pathogenic for Peroxisome biogenesis disorder 2B. Last evaluated: 2023-05-23. Review status: criteria provided, single submitter. Criteria: Invitae Variant Classification Sherloc (09022015). Collection method: clinical testing. Allele origin: germline.
Comment: This sequence change replaces asparagine, which is neutral and polar, with lysine, which is basic and polar, at codon 526 of the PEX5 protein (p.Asn526Lys). This variant is not present in population databases (gnomAD no frequency). For these reasons, this variant has been classified as Pathogenic. Experimental studies have shown that this missense change affects PEX5 function (PMID: 10462504, 17532062). Advanced modeling of protein sequence and biophysical properties (such as structural, functional, and spatial information, amino acid conservation, physicochemical variation, residue mobility, and thermodynamic stability) performed at Invitae indicates that this missense variant is expected to disrupt PEX5 protein function. This variant is also known as Asn489Lys. This missense change has been observed in individuals with Zellweger syndrome spectrum (PMID: 10462504, 20681997, 30561787, 34645488).

Literature cited by the submitters: PubMed 17532062 (cited by Women's Health and Genetics/Laboratory Corporation of America, LabCorp and Labcorp Genetics (formerly Invitae), Labcorp); PubMed 10462504 (cited by Women's Health and Genetics/Laboratory Corporation of America, LabCorp and Labcorp Genetics (formerly Invitae), Labcorp); PubMed 20681997 (cited by Labcorp Genetics (formerly Invitae), Labcorp); PubMed 30561787 (cited by Labcorp Genetics (formerly Invitae), Labcorp); PubMed 34645488 (cited by Labcorp Genetics (formerly Invitae), Labcorp).